The following is an entry in ClinVar:

ClinVar aggregate classification (germline): Pathogenic/Likely pathogenic. Review status: criteria provided, multiple submitters, no conflicts (2 of 4 stars). 2 submissions from 2 submitters: Pathogenic (1); Likely pathogenic (1). Last evaluated 2019-12-12.

Conditions:
KIF11-related disorder. Also called: KIF11-related condition.

Submissions (2):

Labcorp Genetics (formerly Invitae), Labcorp
Classification: Pathogenic. Last evaluated: 2019-12-12. Review status: criteria provided, single submitter. Criteria: Invitae Variant Classification Sherloc (09022015). Collection method: clinical testing. Allele origin: germline.
Comment: This sequence change creates a premature translational stop signal (p.Ser812Argfs*3) in the KIF11 gene. It is expected to result in an absent or disrupted protein product. This variant is not present in population databases (ExAC no frequency). This variant has been observed in individual(s) with complete retinal detachment (PMID: 30452590). Loss-of-function variants in KIF11 are known to be pathogenic (PMID: 24281367). For these reasons, this variant has been classified as Pathogenic.

Blueprint Genetics
Classification: Likely pathogenic for KIF11-related disorders. Last evaluated: 2018-09-21. Review status: criteria provided, single submitter. Criteria: ACMG Guidelines, 2015. Collection method: clinical testing. Allele origin: germline. Affected: yes. Observed: 1 variant allele.

Literature cited by the submitters: PubMed 30452590 (cited by Labcorp Genetics (formerly Invitae), Labcorp).

NM_004523.4(KIF11):c.2434_2438del (p.Ser812fs)

Gene: KIF11 (kinesin family member 11; plus strand). Cytogenetic location: 10q23.33.
Variant type: Deletion.
Coding change: c.2434_2438del on transcript NM_004523.4 (MANE Select); coding-DNA positions 2434 to 2438, 5 bases deleted (TCTCA; older notation c.2434_2438delTCTCA).
Protein change: p.Ser812fs; shifts the reading frame from serine 812.
Molecular consequence: frameshift variant.
Genome position (GRCh38, 1-based): chr10:92,645,529-92,645,533, TCTCA deleted; deleting any 5 consecutive bases within chr10:92,645,528-92,645,533 gives the same sequence; the c. name uses the placement nearest the transcript's 3' end. VCF-style (leftmost placement, unchanged base first): chr10-92645527-TATCTC-T. GRCh37 (hg19) VCF-style: chr10-94405284-TATCTC-T.
Other names: short protein forms S812fs.
Identifiers: ClinVar variation 848431 (VCV000848431.3), dbSNP rs1844909478, ClinGen allele CA916083156.